The following is an entry in ClinVar:

NM_020937.4(FANCM):c.5542T>C (p.Cys1848Arg)

Gene: FANCM (FA complementation group M; plus strand). Cytogenetic location: 14q21.2.
Variant type: single nucleotide variant.
Coding change: c.5542T>C on transcript NM_020937.4 (MANE Select); coding-DNA position 5542, T replaced by C.
Protein change: p.Cys1848Arg; replaces cysteine 1848 with arginine.
Molecular consequence: missense variant.
Genome position (GRCh38, 1-based): chr14:45,196,373, T>C. VCF-style: chr14-45196373-T-C. GRCh37 (hg19) VCF-style: chr14-45665576-T-C.
Other names: c.5464T>C, p.Cys1822Arg (NM_001308133.2); short protein forms C1822R, C1848R.
Identifiers: ClinVar variation 4022718 (VCV004022718.1).

ClinVar aggregate classification (germline): Uncertain significance (1 of 4 stars; one submission).

Conditions:
Inborn genetic diseases. Identifiers: MedGen C0950123, MeSH D030342.

gnomAD v4.1: 1 of 1,614,194 alleles (0.000062%); highest among the groups gnomAD compares: Non-Finnish European, 0.000085%; no homozygotes.

Submission:

Ambry Genetics
Classification: Uncertain significance for Inborn genetic diseases. Last evaluated: 2025-04-21. Review status: criteria provided, single submitter. Criteria: Ambry Variant Classification Scheme 2023. Collection method: clinical testing. Allele origin: germline.
Comment: The p.C1848R variant (also known as c.5542T>C), located in coding exon 21 of the FANCM gene, results from a T to C substitution at nucleotide position 5542. The cysteine at codon 1848 is replaced by arginine, an amino acid with highly dissimilar properties. This amino acid position is conserved. In addition, the in silico prediction for this alteration is inconclusive. Based on the available evidence, the clinical significance of this variant remains unclear.